The following is an entry in ClinVar:

ClinVar aggregate classification (germline): Uncertain significance (1 of 4 stars; one submission).

Submission:

Labcorp Genetics (formerly Invitae), Labcorp
Classification: Uncertain significance. Last evaluated: 2025-04-01. Review status: criteria provided, single submitter. Criteria: Invitae Variant Classification Sherloc (09022015). Collection method: clinical testing. Allele origin: germline.
Comment: This sequence change replaces isoleucine, which is neutral and non-polar, with valine, which is neutral and non-polar, at codon 398 of the PRKCSH protein (p.Ile398Val). This variant is not present in population databases (gnomAD no frequency). This variant has not been reported in the literature in individuals affected with PRKCSH-related conditions. An algorithm developed to predict the effect of missense changes on protein structure and function (PolyPhen-2) suggests that this variant is likely to be tolerated. In summary, the available evidence is currently insufficient to determine the role of this variant in disease. Therefore, it has been classified as a Variant of Uncertain Significance.

NM_001289104.2(PRKCSH):c.1213A>G (p.Ile405Val)

Gene: PRKCSH (PRKCSH beta subunit of glucosidase II; plus strand). Cytogenetic location: 19p13.2.
Variant type: single nucleotide variant.
Coding change: c.1213A>G on transcript NM_001289104.2 (MANE Select); coding-DNA position 1213, A replaced by G.
Protein change: p.Ile405Val; replaces isoleucine 405 with valine.
Molecular consequence: missense variant.
Genome position (GRCh38, 1-based): chr19:11,448,556, A>G. VCF-style: chr19-11448556-A-G. GRCh37 (hg19) VCF-style: chr19-11559371-A-G.
Other names: c.1183A>G, p.Ile395Val (NM_001001329.3, NM_001289102.2, NM_001379609.1); c.1213A>G, p.Ile405Val (NM_001289103.2); c.1192A>G, p.Ile398Val (NM_001379608.1, NM_002743.3); short protein forms I395V, I398V, I405V.
Identifiers: ClinVar variation 4716068 (VCV004716068.1).